The following is an entry in ClinVar:

ClinVar aggregate classification (germline): Uncertain significance (1 of 4 stars; one submission).

Conditions:
Dyskeratosis congenita, autosomal dominant 2. Identifiers: MedGen C3151443, MONDO:0013521, OMIM 613989.
Idiopathic Pulmonary Fibrosis. Also called: Idiopathic fibrosing alveolitis, chronic form; idiopathic fibrosing alveolitis. Identifiers: Orphanet 2032, MedGen C1800706, MeSH D054990, MONDO:0800504.

Submission:

Labcorp Genetics (formerly Invitae), Labcorp
Classification: Uncertain significance for Dyskeratosis congenita, autosomal dominant 2; Idiopathic Pulmonary Fibrosis. Last evaluated: 2022-12-07. Review status: criteria provided, single submitter. Criteria: Invitae Variant Classification Sherloc (09022015). Collection method: clinical testing. Allele origin: germline.
Comment: Advanced modeling of protein sequence and biophysical properties (such as structural, functional, and spatial information, amino acid conservation, physicochemical variation, residue mobility, and thermodynamic stability) performed at Invitae indicates that this missense variant is expected to disrupt TERT protein function. In summary, the available evidence is currently insufficient to determine the role of this variant in disease. Therefore, it has been classified as a Variant of Uncertain Significance. This variant has not been reported in the literature in individuals affected with TERT-related conditions. This variant is not present in population databases (gnomAD no frequency). This sequence change replaces proline, which is neutral and non-polar, with threonine, which is neutral and polar, at codon 1121 of the TERT protein (p.Pro1121Thr).

NM_198253.3(TERT):c.3361C>A (p.Pro1121Thr)

Gene: TERT (telomerase reverse transcriptase; minus strand). Cytogenetic location: 5p15.33.
Variant type: single nucleotide variant.
Coding change: c.3361C>A on transcript NM_198253.3 (MANE Select); coding-DNA position 3361, C replaced by A.
Protein change: p.Pro1121Thr; replaces proline 1121 with threonine.
Molecular consequence: missense variant. On other transcripts: non-coding transcript variant (2).
Genome position (GRCh38, 1-based): chr5:1,253,766, G>T on the plus strand (C>A on the coding strand, the complement: TERT is on the minus strand). VCF-style: chr5-1253766-G-T. GRCh37 (hg19) VCF-style: chr5-1253881-G-T.
Other names: c.3172C>A, p.Pro1058Thr (NM_001193376.3); c.3361C>A, p.Pro1121Thr (NM_003219.1); short protein forms P1121T, P1058T.
Identifiers: ClinVar variation 2942085 (VCV002942085.3), dbSNP rs2478065885, ClinGen allele CA359066607.